The following is an entry in ClinVar:

ClinVar aggregate classification (germline): Uncertain significance (1 of 4 stars; one submission).

Allele frequency attached by ClinVar (database versions not stated): TOPMed below 0.00001; gnomAD 0.00001; gnomAD exomes 0.00001 and 0.00002.
gnomAD v4.1: 5 of 1,614,034 alleles (0.00031%); highest among the groups gnomAD compares: Admixed American, 0.0083%; no homozygotes.

Submission:

Labcorp Genetics (formerly Invitae), Labcorp
Classification: Uncertain significance. Last evaluated: 2023-03-08. Review status: criteria provided, single submitter. Criteria: Invitae Variant Classification Sherloc (09022015). Collection method: clinical testing. Allele origin: germline.
Comment: In summary, the available evidence is currently insufficient to determine the role of this variant in disease. Therefore, it has been classified as a Variant of Uncertain Significance. Variants that disrupt the consensus splice site are a relatively common cause of aberrant splicing (PMID: 17576681, 9536098). Algorithms developed to predict the effect of sequence changes on RNA splicing suggest that this variant may create or strengthen a splice site. ClinVar contains an entry for this variant (Variation ID: 1040759). This variant has not been reported in the literature in individuals affected with TUBGCP4-related conditions. This variant is present in population databases (no rsID available, gnomAD 0.01%). This sequence change falls in intron 3 of the TUBGCP4 gene. It does not directly change the encoded amino acid sequence of the TUBGCP4 protein. It affects a nucleotide within the consensus splice site.

Literature cited by the submitters: PubMed 17576681; PubMed 9536098.

NM_014444.5(TUBGCP4):c.330+5G>T

Gene: TUBGCP4 (tubulin gamma complex component 4; plus strand). Cytogenetic location: 15q15.3.
Variant type: single nucleotide variant.
Coding change: c.330+5G>T on transcript NM_014444.5 (MANE Select); 5 bases into the intron after coding-DNA position 330, G replaced by T.
Molecular consequence: intron variant.
Genome position (GRCh38, 1-based): chr15:43,376,630, G>T. VCF-style: chr15-43376630-G-T. GRCh37 (hg19) VCF-style: chr15-43668828-G-T.
Other names: c.330+5G>T (NM_001286414.3).
Identifiers: ClinVar variation 1040759 (VCV001040759.6), dbSNP rs1391039618, ClinGen allele CA617649237.